The following is an entry in ClinVar:

NM_183065.4(TMEM107):c.*648C>G

Genes: SNORD118 (small nucleolar RNA, C/D box 118; minus strand), TMEM107 (transmembrane protein 107; minus strand). Cytogenetic location: 17p13.1.
Variant type: single nucleotide variant.
Coding change: c.*648C>G on transcript NM_183065.4 (MANE Select); 648 bases downstream of the stop codon, C replaced by G.
Molecular consequence: 3 prime UTR variant. On other transcripts: non-coding transcript variant (2).
Genome position (GRCh38, 1-based): chr17:8,173,555, G>C on the plus strand (C>G on the coding strand, the complement: TMEM107 is on the minus strand). VCF-style: chr17-8173555-G-C. GRCh37 (hg19) VCF-style: chr17-8076873-G-C.
Other names: c.*648C>G (NM_001351278.2, NM_001351279.2, NM_001351280.2 and 1 more transcripts).
Identifiers: ClinVar variation 2629343 (VCV002629343.1), dbSNP rs117057308, ClinGen allele CA8370775.

ClinVar aggregate classification (germline): Uncertain significance (1 of 4 stars; one submission).

Conditions:
TMEM107-related disorder. Also called: TMEM107-related condition.

gnomAD v4.1: 10 of 765,244 alleles (0.0013%); highest among the groups gnomAD compares: East Asian, 0.0048%; no homozygotes.

Submission:

PreventionGenetics, part of Exact Sciences
Classification: Uncertain significance for TMEM107-related condition. Last evaluated: 2022-10-11. Review status: criteria provided, single submitter. Criteria: ACMG Guidelines, 2015. Collection method: clinical testing. Allele origin: germline.
Comment: The TMEM107 c.*648C>G variant is located in the 3' untranslated region. To our knowledge, this variant has not been reported in the literature. This variant is reported in 0.0057% of alleles in individuals of East Asian descent in gnomAD. At this time, the clinical significance of this variant is uncertain due to the absence of conclusive functional and genetic evidence.